The following is an entry in ClinVar:

ClinVar aggregate classification (germline): Uncertain significance (1 of 4 stars; one submission).

Submission:

Labcorp Genetics (formerly Invitae), Labcorp
Classification: Uncertain significance. Last evaluated: 2022-07-19. Review status: criteria provided, single submitter. Criteria: Invitae Variant Classification Sherloc (09022015). Collection method: clinical testing. Allele origin: germline.
Comment: ClinVar contains an entry for this variant (Variation ID: 1461245). This variant has not been reported in the literature in individuals affected with SRCAP-related conditions. This variant is not present in population databases (gnomAD no frequency). This sequence change replaces methionine, which is neutral and non-polar, with leucine, which is neutral and non-polar, at codon 2071 of the SRCAP protein (p.Met2071Leu). Algorithms developed to predict the effect of missense changes on protein structure and function are either unavailable or do not agree on the potential impact of this missense change (SIFT: "Deleterious"; PolyPhen-2: "Benign"; Align-GVGD: "Class C0"). In summary, the available evidence is currently insufficient to determine the role of this variant in disease. Therefore, it has been classified as a Variant of Uncertain Significance.

NM_006662.3(SRCAP):c.6211A>C (p.Met2071Leu)

Gene: SRCAP (Snf2 related CREBBP activator protein; plus strand). Cytogenetic location: 16p11.2.
Variant type: single nucleotide variant.
Coding change: c.6211A>C on transcript NM_006662.3 (MANE Select); coding-DNA position 6211, A replaced by C.
Protein change: p.Met2071Leu; replaces methionine 2071 with leucine.
Molecular consequence: missense variant.
Genome position (GRCh38, 1-based): chr16:30,733,363, A>C. VCF-style: chr16-30733363-A-C. GRCh37 (hg19) VCF-style: chr16-30744684-A-C.
Other names: short protein forms M2071L.
Identifiers: ClinVar variation 1461245 (VCV001461245.8), dbSNP rs1292205640, ClinGen allele CA395624069.